The following is an entry in ClinVar:

NM_001103.4(ACTN2):c.1300C>G (p.Leu434Val)

Gene: ACTN2 (actinin alpha 2; plus strand). Cytogenetic location: 1q43.
Variant type: single nucleotide variant.
Coding change: c.1300C>G on transcript NM_001103.4 (MANE Select); coding-DNA position 1300, C replaced by G.
Protein change: p.Leu434Val; replaces leucine 434 with valine.
Molecular consequence: missense variant.
Genome position (GRCh38, 1-based): chr1:236,744,670, C>G. VCF-style: chr1-236744670-C-G. GRCh37 (hg19) VCF-style: chr1-236907970-C-G.
Other names: c.1300C>G, p.Leu434Val (NM_001278343.2); c.676C>G, p.Leu226Val (NM_001278344.2); c.550C>G, p.Leu184Val (NM_001412150.1); short protein forms L434V, L184V, L226V.
Identifiers: ClinVar variation 1769395 (VCV001769395.3), dbSNP rs1457759978, ClinGen allele CA345382685.

ClinVar aggregate classification (germline): Uncertain significance (1 of 4 stars; one submission).

Conditions:
Cardiovascular phenotype. Identifiers: MedGen CN230736.

Allele frequency attached by ClinVar (database versions not stated): gnomAD exomes below 0.00001; gnomAD 0.00001; TOPMed 0.00001.
gnomAD v4.1: 8 of 1,614,132 alleles (0.0005%); highest among the groups gnomAD compares: Non-Finnish European, 0.00068%; no homozygotes.

Submission:

Ambry Genetics
Classification: Uncertain significance for Cardiovascular phenotype. Last evaluated: 2025-03-09. Review status: criteria provided, single submitter. Criteria: Ambry Variant Classification Scheme 2023. Collection method: clinical testing. Allele origin: germline.
Comment: The p.L434V variant (also known as c.1300C>G), located in coding exon 12 of the ACTN2 gene, results from a C to G substitution at nucleotide position 1300. The leucine at codon 434 is replaced by valine, an amino acid with highly similar properties. This amino acid position is conserved. In addition, the in silico prediction for this alteration is inconclusive. Since supporting evidence is limited at this time, the clinical significance of this alteration remains unclear.